The following is an entry in ClinVar:

NM_003972.3(BTAF1):c.1090G>T (p.Val364Leu)

Gene: BTAF1 (B-TFIID TATA-box binding protein associated factor 1; plus strand). Cytogenetic location: 10q23.32.
Variant type: single nucleotide variant.
Coding change: c.1090G>T on transcript NM_003972.3 (MANE Select); coding-DNA position 1090, G replaced by T.
Protein change: p.Val364Leu; replaces valine 364 with leucine.
Molecular consequence: missense variant. On other transcripts: non-coding transcript variant (14).
Genome position (GRCh38, 1-based): chr10:91,959,981, G>T. VCF-style: chr10-91959981-G-T. GRCh37 (hg19) VCF-style: chr10-93719738-G-T.
Other names: short protein forms V364L.
Identifiers: ClinVar variation 4981418 (VCV004981418.1).

ClinVar aggregate classification (germline): Uncertain significance (1 of 4 stars; one submission).

Conditions:
BTAF1-related disorder. Also called: BTAF1-related condition.

Submission:

PreventionGenetics, part of Exact Sciences
Classification: Uncertain significance for BTAF1-related condition. Last evaluated: 2026-06-03. Review status: criteria provided, single submitter. Criteria: ACMG Guidelines, 2015. Collection method: clinical testing. Allele origin: germline.
Comment: The BTAF1 c.1090G>T variant is predicted to result in the amino acid substitution p.Val364Leu. To our knowledge, this variant has not been reported in the literature or in a large population database (gnomAD), indicating this variant is rare. At this time, the clinical significance of this variant is uncertain due to the absence of conclusive functional and genetic evidence.